The following is an entry in ClinVar:

ClinVar aggregate classification (germline): Uncertain significance. Review status: criteria provided, multiple submitters, no conflicts (2 of 4 stars). 2 submissions from 2 submitters: Uncertain significance (2). Last evaluated 2024-09-24.

Allele frequency attached by ClinVar (database versions not stated): gnomAD exomes below 0.00001 and 0.00001; ExAC 0.00001; TOPMed 0.00001.
gnomAD v4.1: 5 of 1,614,078 alleles (0.00031%); highest among the groups gnomAD compares: East Asian, 0.0022%; no homozygotes.

Submissions (2):

GeneDx
Classification: Uncertain significance. Last evaluated: 2024-09-24. Review status: criteria provided, single submitter. Criteria: GeneDx Variant Classification Process June 2021. Collection method: clinical testing. Allele origin: germline. Affected: yes.
Comment: Not observed at significant frequency in large population cohorts (gnomAD); Missense variant in a gene in which most reported pathogenic variants are truncating/loss of function; Has not been previously published as pathogenic or benign to our knowledge

Laboratory for Molecular Medicine, Mass General Brigham Personalized Medicine
Classification: Uncertain significance. Last evaluated: 2014-01-31. Review status: criteria provided, single submitter. Criteria: LMM Criteria. Collection method: clinical testing. Allele origin: germline. Observed: 1 variant allele.
Comment: The Thr2985Ser variant in TTN has not been previously reported in individuals wi th cardiomyopathy or in large population studies. Computational analyses (amino acid biochemical properties, conservation, SIFT, PolyPhen-2, AlignGVGD) suggest this variant may impact the protein, though this information is not predictive e nough to determine pathogenicity. In summary, additional information is needed to fully assess the clinical significance of this variant.

NM_001267550.2(TTN):c.8953A>T (p.Thr2985Ser)

Gene: TTN (titin; minus strand). Cytogenetic location: 2q31.2.
Variant type: single nucleotide variant.
Coding change: c.8953A>T on transcript NM_001267550.2 (MANE Select); coding-DNA position 8953, A replaced by T.
Protein change: p.Thr2985Ser; replaces threonine 2985 with serine.
Molecular consequence: missense variant.
Genome position (GRCh38, 1-based): chr2:178,768,883, T>A on the plus strand (A>T on the coding strand, the complement: TTN is on the minus strand). VCF-style: chr2-178768883-T-A. GRCh37 (hg19) VCF-style: chr2-179633610-T-A.
Other names: c.8953A>T, p.Thr2985Ser (NM_133378.4, NM_001256850.1, NM_133379.5); c.8815A>T, p.Thr2939Ser (NM_003319.4, NM_133432.3, NM_133437.4); c.8953A>T (NM_001267550.1); short protein forms T2985S, T2939S.
Identifiers: ClinVar variation 166301 (VCV000166301.6), dbSNP rs727503684, ClinGen allele CA179234.